The following is an entry in ClinVar:

NM_004360.5(CDH1):c.2469A>C (p.Thr823=)

Gene: CDH1 (cadherin 1; plus strand). Cytogenetic location: 16q22.1.
Variant type: single nucleotide variant.
Coding change: c.2469A>C on transcript NM_004360.5 (MANE Select); coding-DNA position 2469, A replaced by C.
Protein change: p.Thr823=; no amino-acid change (threonine 823 retained).
Molecular consequence: synonymous variant.
Genome position (GRCh38, 1-based): chr16:68,833,319, A>C. VCF-style: chr16-68833319-A-C. GRCh37 (hg19) VCF-style: chr16-68867222-A-C.
Other names: c.2286A>C, p.Thr762= (NM_001317184.2); c.921A>C, p.Thr307= (NM_001317185.2); c.504A>C, p.Thr168= (NM_001317186.2).
Identifiers: ClinVar variation 2775045 (VCV002775045.3), dbSNP rs2152143874, ClinGen allele CA496393026.

ClinVar aggregate classification (germline): Benign/Likely benign. Review status: criteria provided, multiple submitters, no conflicts (2 of 4 stars). 2 submissions from 2 submitters: Benign (1); Likely benign (1). Last evaluated 2024-09-24.

Conditions:
Hereditary diffuse gastric adenocarcinoma (HDGC). Also called: DIFFUSE GASTRIC AND LOBULAR BREAST CANCER SYNDROME. Identifiers: Orphanet 26106, MedGen C1708349, MONDO:0007648, OMIM 137215.
Hereditary cancer-predisposing syndrome. Also called: Hereditary Cancer Syndrome; Hereditary neoplastic syndrome; Tumor predisposition; Neoplastic Syndromes, Hereditary. Identifiers: Orphanet 140162, MedGen C0027672, MeSH D009386, MONDO:0015356.

Submissions (2):

Myriad Genetics, Inc.
Classification: Benign for Hereditary diffuse gastric adenocarcinoma. Last evaluated: 2024-09-24. Review status: criteria provided, single submitter. Criteria: Myriad Autosomal Dominant, Autosomal Recessive and X-Linked Classification Criteria (2023). Collection method: clinical testing. Allele origin: unknown.
Comment: This variant is considered benign. This variant is a silent/synonymous amino acid change and it is not expected to impact splicing.

Color Diagnostics, LLC DBA Color Health
Classification: Likely benign for Hereditary cancer-predisposing syndrome. Last evaluated: 2023-05-30. Review status: criteria provided, single submitter. Criteria: ACMG Guidelines, 2015. Collection method: clinical testing. Allele origin: germline.